The following is an entry in ClinVar:

NC_000002.11:g.(?_233320910)_(233410426_?)dup

Genes: ALPI (alkaline phosphatase, intestinal; plus strand), CHRNG (cholinergic receptor nicotinic gamma subunit; plus strand), PRSS56 (serine protease 56; plus strand), CHRND (cholinergic receptor nicotinic delta subunit; plus strand), ECEL1 (endothelin converting enzyme like 1; minus strand). Cytogenetic location: 2q37.1.
Variant type: Duplication.
Identifiers: ClinVar variation 3247276 (VCV003247276.1).

ClinVar aggregate classification (germline): Uncertain significance (1 of 4 stars; one submission).

Conditions:
Lethal multiple pterygium syndrome (LMPS). Identifiers: Orphanet 33108, MedGen C1854678, MONDO:0009668, OMIM 253290.

Submission:

Labcorp Genetics (formerly Invitae), Labcorp
Classification: Uncertain significance for Lethal multiple pterygium syndrome. Last evaluated: 2023-10-17. Review status: criteria provided, single submitter. Criteria: Invitae Variant Classification Sherloc (09022015). Collection method: clinical testing. Allele origin: unknown.
Comment: A copy number gain of the genomic region encompassing the full coding sequence of the CHRND gene has been identified. The boundaries of this event are unknown as they extend beyond the assayed region for this gene and therefore may encompass additional genes. As the precise location of this event is unknown, it may be in tandem or it may be located elsewhere in the genome. This variant has not been reported in the literature in individuals affected with CHRND-related conditions. In summary, the available evidence is currently insufficient to determine the role of this variant in disease. Therefore, it has been classified as a Variant of Uncertain Significance.